The following is an entry in ClinVar:

NM_000213.5(ITGB4):c.3841C>T (p.Arg1281Trp)

Genes: GALK1 (galactokinase 1; minus strand), ITGB4 (integrin subunit beta 4; plus strand). Cytogenetic location: 17q25.1.
Variant type: single nucleotide variant.
Coding change: c.3841C>T on transcript NM_000213.5 (MANE Select); coding-DNA position 3841, C replaced by T.
Protein change: p.Arg1281Trp; replaces arginine 1281 with tryptophan.
Molecular consequence: missense variant. On other transcripts: intron variant (1).
Genome position (GRCh38, 1-based): chr17:75,752,221, C>T. VCF-style: chr17-75752221-C-T. GRCh37 (hg19) VCF-style: chr17-73748302-C-T.
Other names: c.3841C>T, p.Arg1281Trp (NM_001005619.2, NM_001005731.3, NM_001321123.2 and 1 more transcripts); c.*23-484G>A (NM_001381985.1); short protein forms R1281W.
Identifiers: ClinVar variation 14742 (VCV000014742.5), dbSNP rs121912467, ClinGen allele CA257309.

ClinVar aggregate classification (germline): Pathogenic/Likely pathogenic. Review status: criteria provided, multiple submitters, no conflicts (2 of 4 stars). 4 submissions from 4 submitters: Pathogenic (1); Likely pathogenic (2). 1 of the submissions does not count toward it. Last evaluated 2024-05-02.

Conditions:
Junctional epidermolysis bullosa with pyloric atresia. Also called: APLASIA CUTIS CONGENITA WITH GASTROINTESTINAL ATRESIA; CARMI SYNDROME; EPIDERMOLYSIS BULLOSA, JUNCTIONAL 5B, WITH PYLORIC ATRESIA; EB-PA-ACC; Junctional Epidermolysis Bullosa- Pyloric Atresia Syndrome; ITGB4-Related Epidermolysis Bullosa with Pyloric Atresia. Identifiers: Orphanet 79403, MedGen C5676875, MONDO:0009183, OMIM 226730.
Epidermolysis bullosa, junctional 5A, intermediate. Also called: EPIDERMOLYSIS BULLOSA, JUNCTIONAL 5A, GENERALIZED INTERMEDIATE; EPIDERMOLYSIS BULLOSA, JUNCTIONAL 5A, NON-HERLITZ TYPE. Identifiers: MedGen C5676956, MONDO:0030768, OMIM 619816.
Junctional epidermolysis bullosa. Identifiers: Orphanet 305, MedGen C0079301, MONDO:0017612.

Allele frequency attached by ClinVar (database versions not stated): gnomAD exomes 0.00001 and below 0.00001; TOPMed below 0.00001; ExAC 0.00001.
gnomAD v4.1: 3 of 1,613,896 alleles (0.00019%); highest among the groups gnomAD compares: South Asian, 0.0011%; no homozygotes.

Submissions (4):

Fulgent Genetics
Classification: Likely pathogenic for Junctional epidermolysis bullosa with pyloric atresia; Epidermolysis bullosa, junctional 5A, intermediate. Last evaluated: 2024-05-02. Review status: criteria provided, single submitter. Criteria: ACMG Guidelines, 2015. Collection method: clinical testing. Allele origin: germline.

Women's Health and Genetics/Laboratory Corporation of America, LabCorp
Classification: Likely pathogenic for Junctional epidermolysis bullosa. Last evaluated: 2024-04-26. Review status: criteria provided, single submitter. Criteria: LabCorp Variant Classification Summary - May 2015. Collection method: clinical testing. Allele origin: germline.
Comment: Variant summary: ITGB4 c.3841C>T (p.Arg1281Trp) results in a non-conservative amino acid change located in the Fibronectin type III domain (IPR003961) of the encoded protein sequence. Four of five in-silico tools predict a damaging effect of the variant on protein function. The variant allele was found at a frequency of 4e-06 in 251360 control chromosomes. c.3841C>T has been reported in the literature in individuals affected with Junctional Epidermolysis Bullosa (example: Pulkkinen_1998). These data indicate that the variant may be associated with disease. At least one publication reports experimental evidence showing that this variant prevents the recruitment of plectin into hemidesmosomes in COS-7 cells and abolishes the interaction with plectin in yeast (Koster_2001). The following publications have been ascertained in the context of this evaluation (PMID: 11886501, 9792864). ClinVar contains an entry for this variant (Variation ID: 14742). Based on the evidence outlined above, the variant was classified as likely pathogenic.

GeneDx
Classification: Pathogenic. Last evaluated: 2019-01-08. Review status: criteria provided, single submitter. Criteria: GeneDx Variant Classification (06012015). Collection method: clinical testing. Allele origin: germline. Affected: yes.
Comment: The R1281W variant has been published previously in the homozygous state and with another ITGB4 variant in patiens with JEB-PA (Pulkkinen et al., 1998; Kambham et al., 2000) . It was not observed at any significant frequency in approximately 6,500 individuals of European and African American ancestry by the NHLBI Exome Sequencing Project. R1281W is a non-conservative amino acid substitution, which is likely to impact secondary protein structure as these residues differ in polarity, charge, size and/or other properties. This substitution occurs at a position within the second fibronectin type III domain that is conserved across species and in silico analysis predicts this variant is probably damaging to the protein structure/function. A missense variant at the same residue (R1281P) has been reported in the Human Gene Mutation Database in association with epidermolysis bullosa with pyloric atresia (Stenson et al., 2014), supporting the functional importance of this region of the protein. Functional studies of the R1281W variant have shown that it abrogates interaction with plectin, resulting in lack of recruitment at the plasma membrane and abolished tumor-suppressive function (Koster et al., 2001; Raymond et al., 2007). Therefore, we consider the R1281W variant to be pathogenic.

OMIM
Classification: Pathogenic for EPIDERMOLYSIS BULLOSA, JUNCTIONAL 5B, WITH PYLORIC ATRESIA. Last evaluated: 2001-12-01. Review status: no assertion criteria provided. Collection method: literature only. Allele origin: germline. Not counted in ClinVar's aggregate classification.

Literature cited by the submitters: PubMed 11886501 (cited by Women's Health and Genetics/Laboratory Corporation of America, LabCorp and OMIM); PubMed 9792864 (cited by Women's Health and Genetics/Laboratory Corporation of America, LabCorp and OMIM).